The following is an entry in ClinVar:

NM_001206999.2(CIT):c.6186G>A (p.Lys2062=)

Gene: CIT (citron rho-interacting serine/threonine kinase; minus strand). Cytogenetic location: 12q24.23.
Variant type: single nucleotide variant.
Coding change: c.6186G>A on transcript NM_001206999.2 (MANE Select); coding-DNA position 6186, G replaced by A.
Protein change: p.Lys2062=; no amino-acid change (lysine 2062 retained).
Molecular consequence: synonymous variant.
Genome position (GRCh38, 1-based): chr12:119,690,151, C>T on the plus strand (G>A on the coding strand, the complement: CIT is on the minus strand). VCF-style: chr12-119690151-C-T. GRCh37 (hg19) VCF-style: chr12-120127956-C-T.
Other names: c.6060G>A, p.Lys2020= (NM_007174.3).
Identifiers: ClinVar variation 1809903 (VCV001809903.1), dbSNP rs2500718105, ClinGen allele CA482141350.
Genomic context (GRCh38, chr12:119,690,151, plus strand): 5'-GTTCCCCAAGTCACTCCTGGCCTCCGCAACAGACACACAGGCCTCGGAATGCTGCCTCAC[C>T]TTGTTCACCTGGGACAGCGGGGTCCTCACGGCTCCCGCAGGCAGCCGGCCCCTGCTGCTG-3'
Protein context (NP_001193928.1, residues 2052-2069): AVRTPLSQVN[Lys2062=]VWDQSSV

ClinVar aggregate classification (germline): Uncertain significance (1 of 4 stars; one submission).

Submission:

GeneDx
Classification: Uncertain significance. Last evaluated: 2022-06-30. Review status: criteria provided, single submitter. Criteria: GeneDx Variant Classification Process June 2021. Collection method: clinical testing. Allele origin: germline. Affected: yes.
Comment: Not observed at significant frequency in large population cohorts (gnomAD); In silico analysis supports a deleterious effect on splicing; Has not been previously published as pathogenic or benign to our knowledge